The following is an entry in ClinVar:

ClinVar aggregate classification (germline): Conflicting classifications of pathogenicity. Review status: criteria provided, conflicting classifications (1 of 4 stars). 4 submissions from 4 submitters: Uncertain significance (2); Likely benign (2). Last evaluated 2026-07-14.

Conditions:
Inborn genetic diseases. Identifiers: MedGen C0950123, MeSH D030342.
HUWE1-related disorder. Also called: HUWE1-related condition.

Allele frequency attached by ClinVar (database versions not stated): TOPMed 0.00004.
gnomAD v4.1: 18 of 1,208,809 alleles (0.0015%); highest among the groups gnomAD compares: Admixed American, 0.024%; no homozygotes.

Submissions (4):

PreventionGenetics, part of Exact Sciences
Classification: Uncertain significance for HUWE1-related condition. Last evaluated: 2026-07-14. Review status: criteria provided, single submitter. Criteria: ACMG Guidelines, 2015. Collection method: clinical testing. Allele origin: germline.
Comment: The HUWE1 c.8392A>C variant is predicted to result in the amino acid substitution p.Thr2798Pro. To our knowledge, this variant has not been reported in the literature. This variant is reported in 0.0076% of alleles in individuals of African descent in gnomAD. At this time, the clinical significance of this variant is uncertain due to the absence of conclusive functional and genetic evidence.

Labcorp Genetics (formerly Invitae), Labcorp
Classification: Likely benign. Last evaluated: 2025-10-26. Review status: criteria provided, single submitter. Criteria: Invitae Variant Classification Sherloc (09022015). Collection method: clinical testing. Allele origin: germline.

Ambry Genetics
Classification: Uncertain significance for Inborn genetic diseases. Last evaluated: 2024-01-23. Review status: criteria provided, single submitter. Criteria: Ambry Variant Classification Scheme 2023. Collection method: clinical testing. Allele origin: germline.

GeneDx
Classification: Likely benign. Last evaluated: 2020-03-10. Review status: criteria provided, single submitter. Criteria: GeneDx Variant Classification Process June 2021. Collection method: clinical testing. Allele origin: germline. Affected: yes.

NM_031407.7(HUWE1):c.8392A>C (p.Thr2798Pro)

Gene: HUWE1 (HECT, UBA and WWE domain containing E3 ubiquitin protein ligase 1; minus strand). Cytogenetic location: Xp11.22.
Variant type: single nucleotide variant.
Coding change: c.8392A>C on transcript NM_031407.7 (MANE Select); coding-DNA position 8392, A replaced by C.
Protein change: p.Thr2798Pro; replaces threonine 2798 with proline.
Molecular consequence: missense variant.
Genome position (GRCh38, 1-based): chrX:53,554,735, T>G on the plus strand (A>C on the coding strand, the complement: HUWE1 is on the minus strand). VCF-style: chrX-53554735-T-G. GRCh37 (hg19) VCF-style: chrX-53581696-T-G.
Other names: c.8392A>C (NM_031407.6); short protein forms T2798P.
Identifiers: ClinVar variation 589415 (VCV000589415.14), dbSNP rs781986018, ClinGen allele CA413149429.